The following is an entry in ClinVar:

ClinVar aggregate classification (germline): Uncertain significance (1 of 4 stars; one submission).

Submission:

Labcorp Genetics (formerly Invitae), Labcorp
Classification: Uncertain significance. Last evaluated: 2019-10-10. Review status: criteria provided, single submitter. Criteria: Invitae Variant Classification Sherloc (09022015). Collection method: clinical testing. Allele origin: germline.
Comment: This variant results in a copy number gain of the genomic region encompassing the full coding sequence of the LCA5 gene. The boundaries of this event are unknown as they extend beyond the assayed region for this gene and therefore may encompass additional genes. As the precise location of this event is unknown, it may be in tandem or it may be located elsewhere in the genome. This variant has not been reported in the literature in individuals with LCA5-related conditions. Experimental studies and prediction algorithms are not available or were not evaluated, and the functional significance of this variant is currently unknown. In summary, the available evidence is currently insufficient to determine the role of this variant in disease. Therefore, it has been classified as a Variant of Uncertain Significance.

NC_000006.12:g.(?_79487004)_(79631506_?)dup

Genes: LCA5 (lebercilin LCA5; minus strand), SH3BGRL2 (SH3 domain binding glutamate rich protein like 2; plus strand). Cytogenetic location: 6q14.1.
Variant type: Duplication.
Identifiers: ClinVar variation 832486 (VCV000832486.3).